The following is an entry in ClinVar:

NM_024407.5(NDUFS7):c.299G>A (p.Arg100His)

Gene: NDUFS7 (NADH:ubiquinone oxidoreductase core subunit S7; plus strand). Cytogenetic location: 19p13.3.
Variant type: single nucleotide variant.
Coding change: c.299G>A on transcript NM_024407.5 (MANE Select); coding-DNA position 299, G replaced by A.
Protein change: p.Arg100His; replaces arginine 100 with histidine.
Molecular consequence: missense variant.
Genome position (GRCh38, 1-based): chr19:1,390,941, G>A. VCF-style: chr19-1390941-G-A. GRCh37 (hg19) VCF-style: chr19-1390940-G-A.
Other names: c.299G>A, p.Arg100His (NM_001363602.2); short protein forms R100H.
Identifiers: ClinVar variation 2087126 (VCV002087126.1), dbSNP rs1239947031, ClinGen allele CA402984673.

ClinVar aggregate classification (germline): Uncertain significance (1 of 4 stars; one submission).

Allele frequency attached by ClinVar (database versions not stated): gnomAD exomes below 0.00001.
gnomAD v4.1: 2 of 1,612,494 alleles (0.00012%); highest among the groups gnomAD compares: South Asian, 0.0022%; no homozygotes.

Submission:

Labcorp Genetics (formerly Invitae), Labcorp
Classification: Uncertain significance. Last evaluated: 2022-10-21. Review status: criteria provided, single submitter. Criteria: Invitae Variant Classification Sherloc (09022015). Collection method: clinical testing. Allele origin: germline.
Comment: This sequence change replaces arginine, which is basic and polar, with histidine, which is basic and polar, at codon 100 of the NDUFS7 protein (p.Arg100His). This variant is present in population databases (no rsID available, gnomAD 0.003%). This variant has not been reported in the literature in individuals affected with NDUFS7-related conditions. Algorithms developed to predict the effect of missense changes on protein structure and function are either unavailable or do not agree on the potential impact of this missense change (SIFT: "Deleterious"; PolyPhen-2: "Probably Damaging"; Align-GVGD: "Class C0"). In summary, the available evidence is currently insufficient to determine the role of this variant in disease. Therefore, it has been classified as a Variant of Uncertain Significance.